The following is an entry in ClinVar:

NM_001134407.3(GRIN2A):c.2617G>A (p.Gly873Arg)

Gene: GRIN2A (glutamate ionotropic receptor NMDA type subunit 2A; minus strand). Cytogenetic location: 16p13.2.
Variant type: single nucleotide variant.
Coding change: c.2617G>A on transcript NM_001134407.3 (MANE Select); coding-DNA position 2617, G replaced by A.
Protein change: p.Gly873Arg; replaces glycine 873 with arginine.
Molecular consequence: missense variant.
Genome position (GRCh38, 1-based): chr16:9,764,927, C>T on the plus strand (G>A on the coding strand, the complement: GRIN2A is on the minus strand). VCF-style: chr16-9764927-C-T. GRCh37 (hg19) VCF-style: chr16-9858784-C-T.
Other names: c.2617G>A, p.Gly873Arg (NM_000833.5, NM_001134408.2); short protein forms G873R.
Identifiers: ClinVar variation 3666676 (VCV003666676.2).

ClinVar aggregate classification (germline): Uncertain significance (1 of 4 stars; one submission).

Conditions:
Landau-Kleffner syndrome (FESD). Also called: EPILEPSY, FOCAL, WITH SPEECH DISORDER AND WITH OR WITHOUT MENTAL RETARDATION; APHASIA, ACQUIRED, WITH EPILEPSY. Identifiers: Orphanet 1945, Orphanet 725, Orphanet 98818, MedGen C0282512, MONDO:0009509, OMIM 245570.

Submission:

Labcorp Genetics (formerly Invitae), Labcorp
Classification: Uncertain significance for Landau-Kleffner syndrome. Last evaluated: 2024-08-28. Review status: criteria provided, single submitter. Criteria: Invitae Variant Classification Sherloc (09022015). Collection method: clinical testing. Allele origin: germline.
Comment: This sequence change replaces glycine, which is neutral and non-polar, with arginine, which is basic and polar, at codon 873 of the GRIN2A protein (p.Gly873Arg). This variant is not present in population databases (gnomAD no frequency). This variant has not been reported in the literature in individuals affected with GRIN2A-related conditions. Invitae Evidence Modeling of protein sequence and biophysical properties (such as structural, functional, and spatial information, amino acid conservation, physicochemical variation, residue mobility, and thermodynamic stability) has been performed for this missense variant. However, the output from this modeling did not meet the statistical confidence thresholds required to predict the impact of this variant on GRIN2A protein function. In summary, the available evidence is currently insufficient to determine the role of this variant in disease. Therefore, it has been classified as a Variant of Uncertain Significance.